The following is an entry in ClinVar:

ClinVar aggregate classification (germline): Uncertain significance. Review status: criteria provided, multiple submitters, no conflicts (2 of 4 stars). 2 submissions from 2 submitters: Uncertain significance (2). Last evaluated 2022-09-28.

Conditions:
Inborn genetic diseases. Identifiers: MedGen C0950123, MeSH D030342.

Allele frequency attached by ClinVar (database versions not stated): TOPMed 0.00002.
gnomAD v4.1: 37 of 1,614,040 alleles (0.0023%); highest among the groups gnomAD compares: Non-Finnish European, 0.0031%; no homozygotes.

Submissions (2):

Ambry Genetics
Classification: Uncertain significance for Inborn genetic diseases. Last evaluated: 2022-09-28. Review status: criteria provided, single submitter. Criteria: Ambry Variant Classification Scheme 2023. Collection method: clinical testing. Allele origin: germline.

Labcorp Genetics (formerly Invitae), Labcorp
Classification: Uncertain significance. Last evaluated: 2021-08-30. Review status: criteria provided, single submitter. Criteria: Invitae Variant Classification Sherloc (09022015). Collection method: clinical testing. Allele origin: germline.
Comment: This sequence change replaces alanine with proline at codon 1382 of the C2CD3 protein (p.Ala1382Pro). The alanine residue is highly conserved and there is a small physicochemical difference between alanine and proline. This variant is present in population databases (rs763561048, ExAC 0.004%). This variant has not been reported in the literature in individuals affected with C2CD3-related conditions. Algorithms developed to predict the effect of missense changes on protein structure and function are either unavailable or do not agree on the potential impact of this missense change (SIFT: "Deleterious"; PolyPhen-2: "Probably Damaging"; Align-GVGD: "Class C0"). In summary, the available evidence is currently insufficient to determine the role of this variant in disease. Therefore, it has been classified as a Variant of Uncertain Significance.

NM_001286577.2(C2CD3):c.4144G>C (p.Ala1382Pro)

Gene: C2CD3 (C2 domain containing 3 centriole elongation regulator; minus strand). Cytogenetic location: 11q13.4.
Variant type: single nucleotide variant.
Coding change: c.4144G>C on transcript NM_001286577.2 (MANE Select); coding-DNA position 4144, G replaced by C.
Protein change: p.Ala1382Pro; replaces alanine 1382 with proline.
Molecular consequence: missense variant.
Genome position (GRCh38, 1-based): chr11:74,078,574, C>G on the plus strand (G>C on the coding strand, the complement: C2CD3 is on the minus strand). VCF-style: chr11-74078574-C-G. GRCh37 (hg19) VCF-style: chr11-73789619-C-G.
Other names: c.4144G>C, p.Ala1382Pro (NM_015531.6); c.4144G>C (NM_015531.4); short protein forms A1382P.
Identifiers: ClinVar variation 1407607 (VCV001407607.2), dbSNP rs763561048, ClinGen allele CA6182188.
Genomic context (GRCh38, chr11:74,078,574, plus strand): 5'-CTTCATCCATTCTGACAAAATCTTTCAGGCTGTTCTCAAAGCTCCAGCCCAAATGCTCAG[C>G]AGCTTCCAACACCCGTTCTCTATCTCCACGATGCGTGAAGGAAATCGAAAGCTCCAGACC-3'
Protein context (NP_001273506.1, residues 1372-1392): RGDRERVLEA[Ala1382Pro]EHLGWSFENS